The following is an entry in ClinVar:

NM_000091.5(COL4A3):c.1006G>T (p.Gly336Cys)

Genes: COL4A3 (collagen type IV alpha 3 chain; plus strand), MFF-DT (MFF divergent transcript; minus strand). Cytogenetic location: 2q36.3.
Variant type: single nucleotide variant.
Coding change: c.1006G>T on transcript NM_000091.5 (MANE Select); coding-DNA position 1006, G replaced by T.
Protein change: p.Gly336Cys; replaces glycine 336 with cysteine.
Molecular consequence: missense variant.
Genome position (GRCh38, 1-based): chr2:227,257,621, G>T. VCF-style: chr2-227257621-G-T. GRCh37 (hg19) VCF-style: chr2-228122337-G-T.
Other names: c.1006G>T (NM_000091.4); short protein forms G336C.
Identifiers: ClinVar variation 562453 (VCV000562453.11), dbSNP rs1559873550, ClinGen allele CA350867528.

ClinVar aggregate classification (germline): Pathogenic/Likely pathogenic. Review status: criteria provided, multiple submitters, no conflicts (2 of 4 stars). 6 submissions from 6 submitters: Pathogenic (5); Likely pathogenic (1). Last evaluated 2024-07-25.

Conditions:
COL4A3-related disorder. Also called: COL4A3-Related Disorders; COL4A3-related condition.
Autosomal recessive Alport syndrome (ATS2). Also called: COL4A3-Related Nephropathy; Alport syndrome type 2; ALPORT SYNDROME 2, AUTOSOMAL RECESSIVE; COL4A4 Alport Syndrome and Thin Basement Membrane Nephropathy. Identifiers: Orphanet 63, Orphanet 88919, MedGen C4746745, MONDO:0008762, OMIM 203780.
Autosomal dominant Alport syndrome (ATS3A). Also called: ALPORT SYNDROME 3A, AUTOSOMAL DOMINANT; Alport syndrome dominant type; Renal failure and sensorineural hearing loss. Identifiers: Orphanet 63, Orphanet 88918, MedGen C5882663, MONDO:0007086, OMIM 104200.
Benign familial hematuria. Also called: thin basement membrane disease. Identifiers: MedGen C0241908, MONDO:0957317.
Alport syndrome. Also called: Hemorrhagic familial nephritis; Hemorrhagic hereditary nephritis; Congenital hereditary hematuria. Identifiers: Orphanet 63, MedGen C1567741, MONDO:0018965.

Allele frequency attached by ClinVar (database versions not stated): gnomAD exomes below 0.00001.
gnomAD v4.1: 1 of 1,613,748 alleles (0.000062%); highest among the groups gnomAD compares: Non-Finnish European, 0.000085%; no homozygotes.

Submissions (6):

Blueprint Genetics
Classification: Pathogenic for COL4A3-related disorders. Last evaluated: 2024-07-25. Review status: criteria provided, single submitter. Criteria: ACMG Guidelines, 2015. Collection method: clinical testing. Allele origin: germline. Affected: yes. Observed: 5 variant alleles.

Fulgent Genetics
Classification: Pathogenic for Autosomal dominant Alport syndrome; Hematuria, benign familial, 1; Autosomal recessive Alport syndrome. Last evaluated: 2022-03-29. Review status: criteria provided, single submitter. Criteria: ACMG Guidelines, 2015. Collection method: clinical testing. Allele origin: unknown.

Labcorp Genetics (formerly Invitae), Labcorp
Classification: Pathogenic. Last evaluated: 2022-03-16. Review status: criteria provided, single submitter. Criteria: Invitae Variant Classification Sherloc (09022015). Collection method: clinical testing. Allele origin: germline.
Comment: For these reasons, this variant has been classified as Pathogenic. Advanced modeling of protein sequence and biophysical properties (such as structural, functional, and spatial information, amino acid conservation, physicochemical variation, residue mobility, and thermodynamic stability) performed at Invitae indicates that this missense variant is expected to disrupt COL4A3 protein function. ClinVar contains an entry for this variant (Variation ID: 562453). This missense change has been observed in individuals with autosomal dominant Alport syndrome (PMID: 24033287, 28632965, 32860008). This variant is not present in population databases (gnomAD no frequency). This sequence change replaces glycine, which is neutral and non-polar, with cysteine, which is neutral and slightly polar, at codon 336 of the COL4A3 protein (p.Gly336Cys).

Victorian Clinical Genetics Services, Murdoch Childrens Research Institute
Classification: Pathogenic for Alport syndrome. Last evaluated: 2020-10-19. Review status: criteria provided, single submitter. Criteria: ACMG Guidelines, 2015. Collection method: clinical testing. Allele origin: germline. Affected: yes.
Comment: Based on the classification scheme VCGS_Germline_v1.3.3, this variant is classified as Pathogenic. Following criteria are met: 0103 - Dominant negative, caused by missense variants mostly glycine substitutions that affect the conformation of the protein, and loss of function, caused by either protein truncating and missense variants, are known mechanisms of disease in this gene and are associated with Alport syndrome and benign familial hematuria (PMID: 12028435). (I) 0108 - This gene is associated with both recessive (Alport syndrome 2 (MIM#203780)) and dominant disease (Alport syndrome 3 (MIM#104200) and benign familial hematuria (MIM#141200)) (OMIM). (I) 0200 - Variant is predicted to result in a missense amino acid change from glycine to cysteine. (I) 0251 - This variant is heterozygous. (I) 0301 - Variant is absent from gnomAD (both v2 and v3). (SP) 0501 - Missense variant consistently predicted to be damaging by multiple in silico tools or highly conserved with a major amino acid change. (SP) 0601 - Variant is located in the well-established functional collagen triple helix domain, affecting glycine of the G-X-Y repeats (PDB). (SP) 0705 - No comparable missense variants have previous evidence for pathogenicity. (I) 0802 - This variant has moderate previous evidence of pathogenicity in unrelated individuals with Alport or hematuria (ClinVar, Global LOVD, PMID: 24033287, 28632965). (SP) 0905 - No published segregation evidence has been identified for this variant. (I) 1007 - No published functional evidence has been identified for this variant. (I) 1208 - Inheritance information for this variant is not currently available in this individual. (I) Legend: (SP) - Supporting pathogenic, (I) - Information, (SB) - Supporting benign

Gharavi Laboratory, Columbia University
Classification: Likely pathogenic. Last evaluated: 2018-09-16. Review status: criteria provided, single submitter. Criteria: ACMG Guidelines, 2015. Collection method: research. Allele origin: germline. Affected: yes.

CENTOGENE GmbH and LLC - Guiding Precision Medicine
Classification: Pathogenic for Autosomal recessive Alport syndrome. Review status: criteria provided, single submitter. Criteria: ACMG Guidelines, 2015. Collection method: clinical testing. Allele origin: germline. Affected: yes.

Literature cited by the submitters: PubMed 24033287 (cited by Labcorp Genetics (formerly Invitae), Labcorp and Victorian Clinical Genetics Services, Murdoch Childrens Research Institute); PubMed 28632965 (cited by Labcorp Genetics (formerly Invitae), Labcorp and Victorian Clinical Genetics Services, Murdoch Childrens Research Institute); PubMed 32860008 (cited by Labcorp Genetics (formerly Invitae), Labcorp and CENTOGENE GmbH and LLC - Guiding Precision Medicine); PubMed 12028435 (cited by Victorian Clinical Genetics Services, Murdoch Childrens Research Institute).